The following is an entry in ClinVar:

ClinVar aggregate classification (germline): Pathogenic (1 of 4 stars; one submission).

Conditions:
Hereditary nonpolyposis colorectal neoplasms. Identifiers: MedGen C0009405, MeSH D003123.

Submission:

Labcorp Genetics (formerly Invitae), Labcorp
Classification: Pathogenic for Hereditary nonpolyposis colorectal neoplasms. Last evaluated: 2023-08-17. Review status: criteria provided, single submitter. Criteria: Invitae Variant Classification Sherloc (09022015). Collection method: clinical testing. Allele origin: germline.
Comment: This sequence change creates a premature translational stop signal (p.Asp917*) in the MSH6 gene. It is expected to result in an absent or disrupted protein product. Loss-of-function variants in MSH6 are known to be pathogenic (PMID: 18269114, 24362816). This variant is not present in population databases (gnomAD no frequency). This variant has not been reported in the literature in individuals affected with MSH6-related conditions. ClinVar contains an entry for this variant (Variation ID: 525704). For these reasons, this variant has been classified as Pathogenic.

Literature cited by the submitters: PubMed 18269114; PubMed 24362816.

NM_000179.3(MSH6):c.2748dup (p.Asp917Ter)

Gene: MSH6 (mutS homolog 6; plus strand). Cytogenetic location: 2p16.3.
Variant type: Duplication.
Coding change: c.2748dup on transcript NM_000179.3 (MANE Select); coding-DNA position 2748, one base duplicated (T; older notation c.2748dupT).
Protein change: p.Asp917Ter; replaces aspartic acid 917 with a stop codon.
Molecular consequence: nonsense.
Genome position (GRCh38, 1-based): chr2:47,800,731, T duplicated; the last of 3 consecutive T bases (chr2:47,800,729-47,800,731); duplicating any one gives the same sequence. VCF-style (leftmost placement, unchanged base first): chr2-47800728-C-CT. GRCh37 (hg19) VCF-style: chr2-48027867-C-CT.
Other names: c.2748dupT (NM_000179.2); c.2358dup, p.Asp787Ter (NM_001281492.2); c.1842dup, p.Asp615Ter (NM_001281493.2, NM_001281494.2); short protein forms D615*, D787*, D917*.
Identifiers: ClinVar variation 525704 (VCV000525704.7), dbSNP rs1553414102, ClinGen allele CA658795773.
Genomic context (GRCh38, chr2:47,800,728, plus strand): 5'-AAAAAATCCTGAAGGTCGTTTTCCTGATTTGACTGTAGAATTGAACCGATGGGATACAGC[C>CT]TTTGACCATGAAAAGGCTCGAAAGACTGGACTTATTACTCCCAAAGCAGGCTTTGACTCT-3'